The following is an entry in ClinVar:

ClinVar aggregate classification (germline): Uncertain significance. Review status: criteria provided, multiple submitters, no conflicts (2 of 4 stars). 2 submissions from 2 submitters: Uncertain significance (2). Last evaluated 2026-07-07.

Conditions:
Hereditary cancer-predisposing syndrome. Also called: Hereditary Cancer Syndrome; Neoplastic Syndromes, Hereditary; Hereditary neoplastic syndrome; Tumor predisposition. Identifiers: Orphanet 140162, MedGen C0027672, MeSH D009386, MONDO:0015356.

Submissions (2):

Ambry Genetics
Classification: Uncertain significance for Hereditary cancer-predisposing syndrome. Last evaluated: 2026-07-07. Review status: criteria provided, single submitter. Criteria: Ambry Variant Classification Scheme 2023. Collection method: clinical testing. Allele origin: germline.
Comment: The p.T76S variant (also known as c.227C>G), located in coding exon 2 of the SMARCB1 gene, results from a C to G substitution at nucleotide position 227. The threonine at codon 76 is replaced by serine, an amino acid with similar properties. This amino acid position is conserved. In addition, this alteration is predicted to be tolerated by in silico analysis. Based on the available evidence, the clinical significance of this variant remains unclear.

Labcorp Genetics (formerly Invitae), Labcorp
Classification: Uncertain significance. Last evaluated: 2020-12-21. Review status: criteria provided, single submitter. Criteria: Invitae Variant Classification Sherloc (09022015). Collection method: clinical testing. Allele origin: germline.
Comment: This sequence change replaces threonine with serine at codon 76 of the SMARCB1 protein (p.Thr76Ser). The threonine residue is weakly conserved and there is a small physicochemical difference between threonine and serine. In summary, the available evidence is currently insufficient to determine the role of this variant in disease. Therefore, it has been classified as a Variant of Uncertain Significance. Algorithms developed to predict the effect of sequence changes on RNA splicing suggest that this variant may create or strengthen a splice site, but this prediction has not been confirmed by published transcriptional studies. Algorithms developed to predict the effect of missense changes on protein structure and function (SIFT, PolyPhen-2, Align-GVGD) all suggest that this variant is likely to be tolerated, but these predictions have not been confirmed by published functional studies and their clinical significance is uncertain. This variant has not been reported in the literature in individuals with SMARCB1-related conditions. This variant is not present in population databases (ExAC no frequency).

NM_003073.5(SMARCB1):c.227C>G (p.Thr76Ser)

Gene: SMARCB1 (SWI/SNF related BAF chromatin remodeling complex subunit B1; plus strand). Cytogenetic location: 22q11.23.
Variant type: single nucleotide variant.
Coding change: c.227C>G on transcript NM_003073.5 (MANE Select); coding-DNA position 227, C replaced by G.
Protein change: p.Thr76Ser; replaces threonine 76 with serine.
Molecular consequence: missense variant. On other transcripts: intron variant (2).
Genome position (GRCh38, 1-based): chr22:23,791,889, C>G. VCF-style: chr22-23791889-C-G. GRCh37 (hg19) VCF-style: chr22-24134076-C-G.
Other names: c.227C>G, p.Thr76Ser (NM_001362877.2); c.205+22C>G (NM_001317946.2, NM_001007468.3); c.227C>G (NM_003073.3); short protein forms T76S.
Identifiers: ClinVar variation 1358372 (VCV001358372.9), dbSNP rs2145960632, ClinGen allele CA410933240.
Genomic context (GRCh38, chr22:23,791,889, plus strand): 5'-CTGTGGAAGAGAGGAAGAAAATAGTTGCATCGTCACATGGTAAAAAAACAAAACCTAACA[C>G]TAAGGGTGCGTCTTCACGAGGGTTTGTAAACCTGTTTCAAAACCACTCGCTTATGTCATG-3'
Protein context (NP_003064.2, residues 66-86): SSHGKKTKPN[Thr76Ser]KDHGYTTLAT